The following is an entry in ClinVar:

ClinVar aggregate classification (germline): Uncertain significance (1 of 4 stars; one submission).

Conditions:
Hereditary cancer-predisposing syndrome. Also called: Neoplastic Syndromes, Hereditary; Tumor predisposition; Hereditary neoplastic syndrome; Hereditary Cancer Syndrome. Identifiers: Orphanet 140162, MedGen C0027672, MeSH D009386, MONDO:0015356.

Submission:

Ambry Genetics
Classification: Uncertain significance for Hereditary cancer-predisposing syndrome. Last evaluated: 2025-05-07. Review status: criteria provided, single submitter. Criteria: Ambry Variant Classification Scheme 2023. Collection method: clinical testing. Allele origin: germline.
Comment: The p.A41V variant (also known as c.122C>T), located in coding exon 2 of the MITF gene, results from a C to T substitution at nucleotide position 122. The alanine at codon 41 is replaced by valine, an amino acid with similar properties. This amino acid position is conserved. In addition, this alteration is predicted to be tolerated by in silico analysis. Based on the available evidence, the clinical significance of this variant remains unclear.

NM_001354604.2(MITF):c.443C>T (p.Ala148Val)

Gene: MITF (melanocyte inducing transcription factor; plus strand). Cytogenetic location: 3p13.
Variant type: single nucleotide variant.
Coding change: c.443C>T on transcript NM_001354604.2 (MANE Select); coding-DNA position 443, C replaced by T.
Protein change: p.Ala148Val; replaces alanine 148 with valine.
Molecular consequence: missense variant. On other transcripts: intron variant (1).
Genome position (GRCh38, 1-based): chr3:69,937,910, C>T. VCF-style: chr3-69937910-C-T. GRCh37 (hg19) VCF-style: chr3-69987061-C-T.
Other names: c.122C>T, p.Ala41Val (NM_000248.4, NM_001184968.2, NM_198158.3); c.287C>T, p.Ala96Val (NM_001184967.2, NM_001354608.2); c.440C>T, p.Ala147Val (NM_001354605.2, NM_001354606.2, NM_006722.3); c.392C>T, p.Ala131Val (NM_001354607.2); c.443C>T, p.Ala148Val (NM_198159.3); c.395C>T, p.Ala132Val (NM_198177.3); c.93+29C>T (NM_198178.3); short protein forms A131V, A41V, A132V, A148V, A96V, A147V.
Identifiers: ClinVar variation 4055202 (VCV004055202.1).